The following is an entry in ClinVar:

NM_014754.3(PTDSS1):c.1143A>G (p.Ile381Met)

Gene: PTDSS1 (phosphatidylserine synthase 1; plus strand). Cytogenetic location: 8q22.1.
Variant type: single nucleotide variant.
Coding change: c.1143A>G on transcript NM_014754.3 (MANE Select); coding-DNA position 1143, A replaced by G.
Protein change: p.Ile381Met; replaces isoleucine 381 with methionine.
Molecular consequence: missense variant.
Genome position (GRCh38, 1-based): chr8:96,320,315, A>G. VCF-style: chr8-96320315-A-G. GRCh37 (hg19) VCF-style: chr8-97332543-A-G.
Other names: c.705A>G, p.Ile235Met (NM_001290225.2); c.1143A>G (NM_014754.1); short protein forms I235M, I381M.
Identifiers: ClinVar variation 3016688 (VCV003016688.4), dbSNP rs751543129, ClinGen allele CA4816750.

ClinVar aggregate classification (germline): Conflicting classifications of pathogenicity. Review status: criteria provided, conflicting classifications (1 of 4 stars). 2 submissions from 2 submitters: Uncertain significance (1); Likely benign (1). Last evaluated 2025-11-10.

Conditions:
Inborn genetic diseases. Identifiers: MedGen C0950123, MeSH D030342.

Allele frequency attached by ClinVar (database versions not stated): gnomAD exomes 0.00001; TOPMed 0.00011; ExAC 0.00002; gnomAD 0.00007.
gnomAD v4.1: 19 of 1,612,792 alleles (0.0012%); highest among the groups gnomAD compares: African/African-American, 0.021%; no homozygotes.

Submissions (2):

Labcorp Genetics (formerly Invitae), Labcorp
Classification: Uncertain significance. Last evaluated: 2025-11-10. Review status: criteria provided, single submitter. Criteria: Invitae Variant Classification Sherloc (09022015). Collection method: clinical testing. Allele origin: germline.
Comment: This sequence change replaces isoleucine, which is neutral and non-polar, with methionine, which is neutral and non-polar, at codon 381 of the PTDSS1 protein (p.Ile381Met). This variant is present in population databases (rs751543129, gnomAD 0.03%). This variant has not been reported in the literature in individuals affected with PTDSS1-related conditions. ClinVar contains an entry for this variant (Variation ID: 3016688). Invitae Evidence Modeling of protein sequence and biophysical properties (such as structural, functional, and spatial information, amino acid conservation, physicochemical variation, residue mobility, and thermodynamic stability) indicates that this missense variant is not expected to disrupt PTDSS1 protein function with a negative predictive value of 80%. In summary, the available evidence is currently insufficient to determine the role of this variant in disease. Therefore, it has been classified as a Variant of Uncertain Significance.

Ambry Genetics
Classification: Likely benign for Inborn genetic diseases. Last evaluated: 2025-08-29. Review status: criteria provided, single submitter. Criteria: Ambry Variant Classification Scheme 2023. Collection method: clinical testing. Allele origin: germline.